The following is an entry in ClinVar:

NM_001112741.2(KCNC1):c.1502C>T (p.Ala501Val)

Gene: KCNC1 (potassium voltage-gated channel subfamily C member 1; plus strand). Cytogenetic location: 11p15.1.
Variant type: single nucleotide variant.
Coding change: c.1502C>T on transcript NM_001112741.2 (MANE Select); coding-DNA position 1502, C replaced by T.
Protein change: p.Ala501Val; replaces alanine 501 with valine.
Molecular consequence: missense variant.
Genome position (GRCh38, 1-based): chr11:17,772,596, C>T. VCF-style: chr11-17772596-C-T. GRCh37 (hg19) VCF-style: chr11-17794143-C-T.
Other names: c.1502C>T, p.Ala501Val (NM_004976.4); short protein forms A501V.
Identifiers: ClinVar variation 3730950 (VCV003730950.1).

ClinVar aggregate classification (germline): Uncertain significance (1 of 4 stars; one submission).

Submission:

GeneDx
Classification: Uncertain significance. Last evaluated: 2024-08-14. Review status: criteria provided, single submitter. Criteria: GeneDx Variant Classification Process June 2021. Collection method: clinical testing. Allele origin: germline. Affected: yes.
Comment: Not observed at significant frequency in large population cohorts (gnomAD); In silico analysis indicates that this missense variant does not alter protein structure/function; In silico analysis is inconclusive as to whether the variant alters gene splicing. In the absence of RNA/functional studies, the actual effect of this sequence change is unknown.; Has not been previously published as pathogenic or benign to our knowledge